The following is an entry in ClinVar:

NM_016156.6(MTMR2):c.841A>G (p.Ile281Val)

Gene: MTMR2 (myotubularin related protein 2; minus strand). Cytogenetic location: 11q21.
Variant type: single nucleotide variant.
Coding change: c.841A>G on transcript NM_016156.6 (MANE Select); coding-DNA position 841, A replaced by G.
Protein change: p.Ile281Val; replaces isoleucine 281 with valine.
Molecular consequence: missense variant.
Genome position (GRCh38, 1-based): chr11:95,849,826, T>C on the plus strand (A>G on the coding strand, the complement: MTMR2 is on the minus strand). VCF-style: chr11-95849826-T-C. GRCh37 (hg19) VCF-style: chr11-95582990-T-C.
Other names: c.625A>G, p.Ile209Val (NM_001243571.2, NM_201278.3, NM_201281.3); short protein forms I209V, I281V.
Identifiers: ClinVar variation 916795 (VCV000916795.7), dbSNP rs887196115, ClinGen allele CA226602180.

ClinVar aggregate classification (germline): Uncertain significance. Review status: criteria provided, multiple submitters, no conflicts (2 of 4 stars). 3 submissions from 3 submitters: Uncertain significance (3). Last evaluated 2024-01-08.

Conditions:
Charcot-Marie-Tooth disease. Also called: Charcot-Marie-Tooth Hereditary Neuropathy; Charcot-Marie-Tooth Neuropathy. Identifiers: Orphanet 166, MedGen C0007959, MONDO:0015626.
Charcot-Marie-Tooth disease type 4. Also called: Charcot-Marie-Tooth, Type 4; Charcot-Marie-Tooth disease, type IV. Identifiers: Orphanet 64749, MedGen C4082197, MONDO:0018995.

Allele frequency attached by ClinVar (database versions not stated): gnomAD 0.00001 and 0.00002; gnomAD exomes 0.00001 and 0.00002; TOPMed 0.00003.
gnomAD v4.1: 34 of 1,614,028 alleles (0.0021%); highest among the groups gnomAD compares: Admixed American, 0.0033%; no homozygotes.

Submissions (3):

Labcorp Genetics (formerly Invitae), Labcorp
Classification: Uncertain significance for Charcot-Marie-Tooth disease type 4. Last evaluated: 2024-01-08. Review status: criteria provided, single submitter. Criteria: Invitae Variant Classification Sherloc (09022015). Collection method: clinical testing. Allele origin: germline.
Comment: This sequence change replaces isoleucine, which is neutral and non-polar, with valine, which is neutral and non-polar, at codon 281 of the MTMR2 protein (p.Ile281Val). This variant is present in population databases (no rsID available, gnomAD 0.003%). This missense change has been observed in individual(s) with Charcot-Marie-Tooth disease (PMID: 32376792). ClinVar contains an entry for this variant (Variation ID: 916795). Advanced modeling of protein sequence and biophysical properties (such as structural, functional, and spatial information, amino acid conservation, physicochemical variation, residue mobility, and thermodynamic stability) performed at Invitae indicates that this missense variant is not expected to disrupt MTMR2 protein function with a negative predictive value of 80%. In summary, the available evidence is currently insufficient to determine the role of this variant in disease. Therefore, it has been classified as a Variant of Uncertain Significance.

Breakthrough Genomics
Classification: Uncertain significance. Review status: criteria provided, single submitter. Criteria: ACMG Guidelines, 2015. Collection method: not provided. Allele origin: germline. Inheritance: Autosomal recessive inheritance. Affected: yes.

Molecular Genetics Laboratory, London Health Sciences Centre
Classification: Uncertain significance for Charcot-Marie-Tooth disease. Review status: criteria provided, single submitter. Criteria: ACMG Guidelines, 2015. Collection method: clinical testing. Allele origin: germline. Affected: yes.

Literature cited by the submitters: PubMed 32376792 (cited by Labcorp Genetics (formerly Invitae), Labcorp).